The following is an entry in ClinVar:

ClinVar aggregate classification (germline): Benign. Review status: criteria provided, multiple submitters, no conflicts (2 of 4 stars). 5 submissions from 4 submitters: Benign (5). Last evaluated 2021-08-19.

Conditions:
Arrhythmogenic right ventricular dysplasia 12. Also called: ARRHYTHMOGENIC RIGHT VENTRICULAR DYSPLASIA, FAMILIAL, 12. Identifiers: MedGen C1969081, MONDO:0012684, OMIM 611528.
Naxos disease (NXD). Also called: PALMOPLANTAR KERATODERMA WITH ARRHYTHMOGENIC RIGHT VENTRICULAR CARDIOMYOPATHY AND WOOLLY HAIR; WOOLLY HAIR, PALMOPLANTAR KERATODERMA, AND CARDIAC ABNORMALITIES; KERATOSIS PALMOPLANTARIS WITH ARRHYTHMOGENIC CARDIOMYOPATHY; CARDIOMYOPATHY, ARRHYTHMOGENIC RIGHT VENTRICULAR, WITH SKIN, HAIR, AND NAIL ABNORMALITIES; MAL DE NAXOS. Identifiers: Orphanet 34217, MedGen C1832600, MONDO:0011017, OMIM 601214.

Allele frequency attached by ClinVar (database versions not stated): TOPMed 0.69675; gnomAD 0.71145 and 0.70654; gnomAD exomes 0.72698 and 0.66508; ExAC 0.67840; 1000 Genomes Project 0.63898; 1000 Genomes Project 30x 0.64272; ESP Exome Variant Server 0.73466.
gnomAD v4.1: 1,143,655 of 1,578,612 alleles (72%); highest among the groups gnomAD compares: Non-Finnish European, 75%; 418,237 homozygotes.

Submissions (5):

Genome-Nilou Lab
Classification: Benign for Arrhythmogenic right ventricular dysplasia 12. Last evaluated: 2021-08-19. Review status: criteria provided, single submitter. Criteria: ACMG Guidelines, 2015. Collection method: clinical testing. Allele origin: germline. Affected: no.

Genome-Nilou Lab
Classification: Benign for Naxos disease. Last evaluated: 2021-08-19. Review status: criteria provided, single submitter. Criteria: ACMG Guidelines, 2015. Collection method: clinical testing. Allele origin: germline. Affected: no.

GeneDx
Classification: Benign. Last evaluated: 2018-06-15. Review status: criteria provided, single submitter. Criteria: GeneDx Variant Classification (06012015). Collection method: clinical testing. Allele origin: germline. Affected: yes.
Comment: This variant is considered likely benign or benign based on one or more of the following criteria: it is a conservative change, it occurs at a poorly conserved position in the protein, it is predicted to be benign by multiple in silico algorithms, and/or has population frequency not consistent with disease.

Breakthrough Genomics
Classification: Benign. Review status: criteria provided, single submitter. Criteria: ACMG Guidelines, 2015. Collection method: not provided. Allele origin: germline. Inheritance: Autosomal recessive inheritance. Affected: yes.

PreventionGenetics, part of Exact Sciences
Classification: Benign. Review status: criteria provided, single submitter. Criteria: ACMG Guidelines, 2015. Collection method: clinical testing. Allele origin: germline.

NM_002230.4(JUP):c.1774-34C>A

Gene: JUP (junction plakoglobin; minus strand). Cytogenetic location: 17q21.2.
Variant type: single nucleotide variant.
Coding change: c.1774-34C>A on transcript NM_002230.4 (MANE Select); 34 bases into the intron before coding-DNA position 1774, C replaced by A.
Molecular consequence: intron variant.
Genome position (GRCh38, 1-based): chr17:41,757,818, G>T on the plus strand (C>A on the coding strand, the complement: JUP is on the minus strand). VCF-style: chr17-41757818-G-T. GRCh37 (hg19) VCF-style: chr17-39914070-G-T.
Other names: c.1774-34C>A (NM_001352775.2, NM_001352773.2, NM_001352777.2 and 3 more transcripts).
Identifiers: ClinVar variation 261474 (VCV000261474.5), dbSNP rs8067890, ClinGen allele CA8565118.